The following is an entry in ClinVar:

ClinVar aggregate classification (germline): Likely benign (0 of 4 stars; one submission).

Conditions:
TBC1D31-related disorder. Also called: TBC1D31-related condition.

Allele frequency attached by ClinVar (database versions not stated): 1000 Genomes Project 0.01478; TOPMed 0.01524; gnomAD 0.01343; 1000 Genomes Project 30x 0.01546.
gnomAD v4.1: 2,026 of 152,298 alleles (1.3%); highest among the groups gnomAD compares: African/African-American, 4.6%; 40 homozygotes.

Submission:

PreventionGenetics, part of Exact Sciences
Classification: Likely benign for TBC1D31-related condition. Last evaluated: 2023-07-30. Review status: no assertion criteria provided. Collection method: clinical testing. Allele origin: germline.
Comment: This variant is classified as likely benign based on ACMG/AMP sequence variant interpretation guidelines (Richards et al. 2015 PMID: 25741868, with internal and published modifications).

NM_001363151.2(TBC1D31):c.2939T>C (p.Ile980Thr)

Gene: TBC1D31 (TBC1 domain family member 31; plus strand). Cytogenetic location: 8q24.13.
Variant type: single nucleotide variant.
Coding change: c.2939T>C on transcript NM_001363151.2; coding-DNA position 2939, T replaced by C.
Protein change: p.Ile980Thr; replaces isoleucine 980 with threonine.
Molecular consequence: missense variant.
Genome position (GRCh38, 1-based): chr8:123,165,141, T>C. VCF-style: chr8-123165141-T-C. GRCh37 (hg19) VCF-style: chr8-124177381-T-C.
Other names: short protein forms I980T.
Identifiers: ClinVar variation 3040131 (VCV003040131.2), dbSNP rs148335143, ClinGen allele CA184517796.